The following is an entry in ClinVar:

NM_004187.5(KDM5C):c.2698C>T (p.Leu900=)

Gene: KDM5C (lysine demethylase 5C; minus strand). Cytogenetic location: Xp11.22.
Variant type: single nucleotide variant.
Coding change: c.2698C>T on transcript NM_004187.5 (MANE Select); coding-DNA position 2698, C replaced by T.
Protein change: p.Leu900=; no amino-acid change (leucine 900 retained).
Molecular consequence: synonymous variant. On other transcripts: non-coding transcript variant (3).
Genome position (GRCh38, 1-based): chrX:53,196,969, G>A on the plus strand (C>T on the coding strand, the complement: KDM5C is on the minus strand). VCF-style: chrX-53196969-G-A. GRCh37 (hg19) VCF-style: chrX-53226151-G-A.
Other names: p.Leu900=; c.2497C>T, p.Leu833= (NM_001146702.2); c.2695C>T, p.Leu899= (NM_001282622.3, NM_001353979.2, NM_001353982.2); c.2698C>T, p.Leu900= (NM_001353978.3, NM_001353981.2, NM_001353984.2).
Identifiers: ClinVar variation 4684528 (VCV004684528.1).
Genomic context (GRCh38, chrX:53,196,969, plus strand): 5'-GCTGGGCCTCAGGCACCTCCACCCCCAGCTGCCGCCCCCTCTCCAACAGGGACTGCAGTA[G>A]CCCTGGACTGGAGGGCAGTGAGGCCAGGGCCTCACGAGCCTCAGCCTGGTAGGCCTCCAC-3'
Protein context (NP_004178.2, residues 890-910): ALASLPSSPG[Leu900=]LQSLLERGRQ

ClinVar aggregate classification (germline): Likely benign (1 of 4 stars; one submission).

gnomAD v4.1: 3 of 1,192,942 alleles (0.00025%); highest among the groups gnomAD compares: Non-Finnish European, 0.00023%; no homozygotes.

Submission:

Mayo Clinic Laboratories, Mayo Clinic
Classification: Likely benign. Last evaluated: 2025-05-09. Review status: criteria provided, single submitter. Criteria: ACMG Guidelines, 2015. Collection method: clinical testing. Allele origin: germline. Observed: 1 variant allele.
Comment: BP4, BP7